The following is an entry in ClinVar:

ClinVar aggregate classification (germline): Uncertain significance (1 of 4 stars; one submission).

Submission:

GeneDx
Classification: Uncertain significance. Last evaluated: 2019-08-30. Review status: criteria provided, single submitter. Criteria: GeneDx Variant Classification Process June 2021. Collection method: clinical testing. Allele origin: germline. Affected: yes.
Comment: Not observed in large population cohorts (Lek et al., 2016); In silico analysis, which includes protein predictors and evolutionary conservation, supports a deleterious effect; Has not been previously published as pathogenic or benign to our knowledge

NM_018896.5(CACNA1G):c.4018G>C (p.Ala1340Pro)

Gene: CACNA1G (calcium voltage-gated channel subunit alpha1 G; plus strand). Cytogenetic location: 17q21.33.
Variant type: single nucleotide variant.
Coding change: c.4018G>C on transcript NM_018896.5 (MANE Select); coding-DNA position 4018, G replaced by C.
Protein change: p.Ala1340Pro; replaces alanine 1340 with proline.
Molecular consequence: missense variant. On other transcripts: non-coding transcript variant (5).
Genome position (GRCh38, 1-based): chr17:50,603,048, G>C. VCF-style: chr17-50603048-G-C. GRCh37 (hg19) VCF-style: chr17-48680409-G-C.
Other names: c.4018G>C, p.Ala1340Pro (NM_001256324.2, NM_001256325.2, NM_001256326.2 and 16 more transcripts); c.3949G>C, p.Ala1317Pro (NM_001256332.2, NM_198376.3, NM_198379.3 and 5 more transcripts); short protein forms A1317P, A1340P.
Identifiers: ClinVar variation 1308102 (VCV001308102.2), dbSNP rs2145846745, ClinGen allele CA400255667.